The following is an entry in ClinVar:

ClinVar aggregate classification (germline): Uncertain significance (1 of 4 stars; one submission).

Conditions:
Familial cold autoinflammatory syndrome 2 (FCAS2). Identifiers: Orphanet 247868, MedGen C2673198, MONDO:0012724, OMIM 611762.

gnomAD v4.1: 2 of 1,614,044 alleles (0.00012%); highest among the groups gnomAD compares: Admixed American, 0.0017%; no homozygotes.

Submission:

Labcorp Genetics (formerly Invitae), Labcorp
Classification: Uncertain significance for Familial cold autoinflammatory syndrome 2. Last evaluated: 2024-03-27. Review status: criteria provided, single submitter. Criteria: Invitae Variant Classification Sherloc (09022015). Collection method: clinical testing. Allele origin: germline.
Comment: This sequence change replaces leucine, which is neutral and non-polar, with valine, which is neutral and non-polar, at codon 139 of the NLRP12 protein (p.Leu139Val). This variant is present in population databases (no rsID available, gnomAD 0.003%). This variant has not been reported in the literature in individuals affected with NLRP12-related conditions. Advanced modeling of protein sequence and biophysical properties (such as structural, functional, and spatial information, amino acid conservation, physicochemical variation, residue mobility, and thermodynamic stability) performed at Invitae indicates that this missense variant is not expected to disrupt NLRP12 protein function with a negative predictive value of 80%. In summary, the available evidence is currently insufficient to determine the role of this variant in disease. Therefore, it has been classified as a Variant of Uncertain Significance.

NM_144687.4(NLRP12):c.415C>G (p.Leu139Val)

Gene: NLRP12 (NLR family pyrin domain containing 12; minus strand). Cytogenetic location: 19q13.42.
Variant type: single nucleotide variant.
Coding change: c.415C>G on transcript NM_144687.4 (MANE Select); coding-DNA position 415, C replaced by G.
Protein change: p.Leu139Val; replaces leucine 139 with valine.
Molecular consequence: missense variant.
Genome position (GRCh38, 1-based): chr19:53,811,244, G>C on the plus strand (C>G on the coding strand, the complement: NLRP12 is on the minus strand). VCF-style: chr19-53811244-G-C. GRCh37 (hg19) VCF-style: chr19-54314498-G-C.
Other names: c.415C>G, p.Leu139Val (NM_001277126.2, NM_001277129.1); short protein forms L139V.
Identifiers: ClinVar variation 3607842 (VCV003607842.2).